The following is an entry in ClinVar:

NM_001367624.2(ZNF469):c.9565A>G (p.Met3189Val)

Gene: ZNF469 (zinc finger protein 469; plus strand). Cytogenetic location: 16q24.2.
Variant type: single nucleotide variant.
Coding change: c.9565A>G on transcript NM_001367624.2 (MANE Select); coding-DNA position 9565, A replaced by G.
Protein change: p.Met3189Val; replaces methionine 3189 with valine.
Molecular consequence: missense variant.
Genome position (GRCh38, 1-based): chr16:88,437,035, A>G. VCF-style: chr16-88437035-A-G. GRCh37 (hg19) VCF-style: chr16-88503443-A-G.
Other names: p.Met3189Val; short protein forms M3189V.
Identifiers: ClinVar variation 4542076 (VCV004542076.1).

ClinVar aggregate classification (germline): Uncertain significance (1 of 4 stars; one submission).

gnomAD v4.1: 3 of 1,532,618 alleles (0.0002%); highest among the groups gnomAD compares: Non-Finnish European, 0.00026%; no homozygotes.

Submission:

Mayo Clinic Laboratories, Mayo Clinic
Classification: Uncertain significance. Last evaluated: 2025-02-21. Review status: criteria provided, single submitter. Criteria: ACMG Guidelines, 2015. Collection method: clinical testing. Allele origin: germline. Observed: 1 variant allele.
Comment: BP4, PM2_supporting